The following is an entry in ClinVar:

NM_000256.3(MYBPC3):c.3169A>G (p.Thr1057Ala)

Gene: MYBPC3 (myosin binding protein C3; minus strand). Cytogenetic location: 11p11.2.
Variant type: single nucleotide variant.
Coding change: c.3169A>G on transcript NM_000256.3 (MANE Select); coding-DNA position 3169, A replaced by G.
Protein change: p.Thr1057Ala; replaces threonine 1057 with alanine.
Molecular consequence: missense variant.
Genome position (GRCh38, 1-based): chr11:47,333,578, T>C on the plus strand (A>G on the coding strand, the complement: MYBPC3 is on the minus strand). VCF-style: chr11-47333578-T-C. GRCh37 (hg19) VCF-style: chr11-47355129-T-C.
Other names: short protein forms T1057A.
Identifiers: ClinVar variation 1303740 (VCV001303740.2), dbSNP rs786204355, ClinGen allele CA013577.
Genomic context (GRCh38, chr11:47,333,578, plus strand): 5'-AGGGAAACAAGGGGGCTCAAGGAGGCCTTGGCCACGCACCAACAACCTGCAGCACCAGCG[T>C]GGCCTTGTCCTCCATGTTCTCAATGCGCACCGTCACCTGGTAAGTGCCTGAATGCACGCG-3'
Protein context (NP_000247.2, residues 1047-1067): VRIENMEDKA[Thr1057Ala]LVLQVVDKPS

ClinVar aggregate classification (germline): Uncertain significance (1 of 4 stars; one submission).

Submission:

GeneDx
Classification: Uncertain significance. Last evaluated: 2020-12-16. Review status: criteria provided, single submitter. Criteria: GeneDx Variant Classification Process June 2021. Collection method: clinical testing. Allele origin: germline. Affected: yes.
Comment: Not observed in large population cohorts (Lek et al., 2016); In silico analysis supports that this missense variant does not alter protein structure/function; Has not been previously published as pathogenic or benign to our knowledge